The following is an entry in ClinVar:

NM_000059.4(BRCA2):c.2539dup (p.Arg847fs)

Gene: BRCA2 (BRCA2 DNA repair associated; plus strand). Cytogenetic location: 13q13.1.
Variant type: Duplication.
Coding change: c.2539dup on transcript NM_000059.4 (MANE Select); coding-DNA position 2539, one base duplicated (A; older notation c.2539dupA).
Protein change: p.Arg847fs; shifts the reading frame from arginine 847.
Molecular consequence: frameshift variant.
Genome position (GRCh38, 1-based): chr13:32,336,894, A duplicated; the last of 2 consecutive A bases (chr13:32,336,893-32,336,894); duplicating either gives the same sequence. VCF-style (leftmost placement, unchanged base first): chr13-32336892-C-CA. GRCh37 (hg19) VCF-style: chr13-32911029-C-CA.
Other names: 2767insA; short protein forms R847fs.
Identifiers: ClinVar variation 266709 (VCV000266709.5), dbSNP rs886040436, ClinGen allele CA10589162.
Genomic context (GRCh38, chr13:32,336,892, plus strand): 5'-AAAATTATAAAAACGTTGAGCTGTTGCCACCTGAAAAATACATGAGAGTAGCATCACCTT[C>CA]AAGAAAGGTACAATTCAACCAAAACACAAATCTAAGAGTAATCCAAAAAAATCAAGAAGA-3'

ClinVar aggregate classification (germline): Pathogenic. Review status: reviewed by expert panel (3 of 4 stars). 2 submissions from 2 submitters: Pathogenic (1). 1 of the submissions does not count toward it. Last evaluated 2016-10-18.

Conditions:
Breast-ovarian cancer, familial, susceptibility to, 2 (BROVCA2). Also called: BRCA2 Hereditary Breast and Ovarian Cancer. Identifiers: Orphanet 145, MedGen C2675520, MONDO:0012933, OMIM 612555. Disease mechanism: loss of function.

Submissions (2):

Evidence-based Network for the Interpretation of Germline Mutant Alleles (ENIGMA)
Classification: Pathogenic for Breast-ovarian cancer, familial, susceptibility to, 2. Last evaluated: 2016-10-18. Review status: reviewed by expert panel. Criteria: ENIGMA BRCA1/2 Classification Criteria (2015). Collection method: curation. Allele origin: germline.
Comment: Variant allele predicted to encode a truncated non-functional protein.

Consortium of Investigators of Modifiers of BRCA1/2 (CIMBA), c/o University of Cambridge
Classification: Pathogenic for Breast-ovarian cancer, familial, susceptibility to, 2. Last evaluated: 2015-10-02. Review status: criteria provided, single submitter. Criteria: CIMBA Mutation Classification guidelines May 2016. Collection method: clinical testing. Allele origin: germline. Not counted in ClinVar's aggregate classification.